The following is an entry in ClinVar:

NM_001378454.1(ALMS1):c.12038G>T (p.Gly4013Val)

Genes: ALMS1 (ALMS1 centrosome and basal body associated protein; plus strand), LOC126806252 (BRD4-independent group 4 enhancer GRCh37_chr2:73828496-73829695; plus strand). Cytogenetic location: 2p13.1.
Variant type: single nucleotide variant.
Coding change: c.12038G>T on transcript NM_001378454.1 (MANE Select); coding-DNA position 12038, G replaced by T.
Protein change: p.Gly4013Val; replaces glycine 4013 with valine.
Molecular consequence: missense variant.
Genome position (GRCh38, 1-based): chr2:73,601,360, G>T. VCF-style: chr2-73601360-G-T. GRCh37 (hg19) VCF-style: chr2-73828487-G-T.
Other names: c.12041G>T, p.Gly4014Val (NM_015120.4); short protein forms G4013V, G4014V.
Identifiers: ClinVar variation 3351532 (VCV003351532.1).

ClinVar aggregate classification (germline): Uncertain significance (0 of 4 stars; one submission).

Conditions:
ALMS1-related disorder. Also called: ALMS1-related condition.

Submission:

PreventionGenetics, part of Exact Sciences
Classification: Uncertain significance for ALMS1-related condition. Last evaluated: 2024-03-28. Review status: no assertion criteria provided. Collection method: clinical testing. Allele origin: germline.
Comment: The ALMS1 c.12041G>T variant is predicted to result in the amino acid substitution p.Gly4014Val. To our knowledge, this variant has not been reported in the literature. This variant is reported in 0.0065% of alleles in individuals of European (Non-Finnish) descent in gnomAD. At this time, the clinical significance of this variant is uncertain due to the absence of conclusive functional and genetic evidence.